The following is an entry in ClinVar:

ClinVar aggregate classification (germline): Uncertain significance (1 of 4 stars; one submission).

gnomAD v4.1: 4 of 1,609,262 alleles (0.00025%); highest among the groups gnomAD compares: African/African-American, 0.0013%; no homozygotes.

Submission:

Mayo Clinic Laboratories, Mayo Clinic
Classification: Uncertain significance. Last evaluated: 2025-12-13. Review status: criteria provided, single submitter. Criteria: ACMG Guidelines, 2015. Collection method: clinical testing. Allele origin: germline. Observed: 1 variant allele.
Comment: BP4, PM2_supporting

NM_018127.7(ELAC2):c.163C>G (p.Pro55Ala)

Gene: ELAC2 (elaC ribonuclease Z 2; minus strand). Cytogenetic location: 17p12.
Variant type: single nucleotide variant.
Coding change: c.163C>G on transcript NM_018127.7 (MANE Select); coding-DNA position 163, C replaced by G.
Protein change: p.Pro55Ala; replaces proline 55 with alanine.
Molecular consequence: missense variant.
Genome position (GRCh38, 1-based): chr17:13,017,785, G>C on the plus strand (C>G on the coding strand, the complement: ELAC2 is on the minus strand). VCF-style: chr17-13017785-G-C. GRCh37 (hg19) VCF-style: chr17-12921102-G-C.
Other names: p.Pro55Ala; c.163C>G, p.Pro55Ala (NM_001165962.2, NM_173717.2); short protein forms P55A.
Identifiers: ClinVar variation 4542128 (VCV004542128.1).
Genomic context (GRCh38, chr17:13,017,785, plus strand): 5'-AGAGCGCGGCGCCCGAGTCCCGGCTACCCGCTGCCACCACCTGCAGGTACACGGTGTTTG[G>C]GCCGCCGGAGCACCCCGACGGTCCGCGCTTCTCTCGCGTGCGCAGGTGCCGCAGCGGGTC-3'
Protein context (NP_060597.4, residues 45-65): KRGPSGCSGG[Pro55Ala]NTVYLQVVAA